The following is an entry in ClinVar:

NM_198428.3(BBS9):c.2623C>T (p.Pro875Ser)

Gene: BBS9 (Bardet-Biedl syndrome 9; plus strand). Cytogenetic location: 7p14.3.
Variant type: single nucleotide variant.
Coding change: c.2623C>T on transcript NM_198428.3 (MANE Select); coding-DNA position 2623, C replaced by T.
Protein change: p.Pro875Ser; replaces proline 875 with serine.
Molecular consequence: missense variant. On other transcripts: non-coding transcript variant (3), intron variant (1).
Genome position (GRCh38, 1-based): chr7:33,604,966, C>T. VCF-style: chr7-33604966-C-T. GRCh37 (hg19) VCF-style: chr7-33644578-C-T.
Other names: c.2518C>T, p.Pro840Ser (NM_001033604.2); c.2608C>T, p.Pro870Ser (NM_001033605.2); c.2623C>T, p.Pro875Ser (NM_001348036.1, NM_001348041.4, NM_001348043.3); c.2074C>T, p.Pro692Ser (NM_001348037.3); c.2350C>T, p.Pro784Ser (NM_001348038.3); c.2245C>T, p.Pro749Ser (NM_001348039.3); c.2503C>T, p.Pro835Ser (NM_001348040.3, NM_014451.4); c.2488C>T, p.Pro830Ser (NM_001348042.3); and 3 more; short protein forms P784S, P835S, P875S, P830S, P840S, P718S, P870S, P692S.
Identifiers: ClinVar variation 844233 (VCV000844233.9), dbSNP rs755911247, ClinGen allele CA4214745.

ClinVar aggregate classification (germline): Conflicting classifications of pathogenicity. Review status: criteria provided, conflicting classifications (1 of 4 stars). 4 submissions from 4 submitters: Uncertain significance (3); Likely benign (1). Last evaluated 2026-06-22.

Conditions:
BBS9-related disorder. Also called: BBS9-related condition.
Bardet-Biedl syndrome 9 (BBS9). Identifiers: Orphanet 110, MedGen C1859567, MONDO:0014437, OMIM 615986.
Inborn genetic diseases. Identifiers: MedGen C0950123, MeSH D030342.
Bardet-Biedl syndrome (BBS). Identifiers: Orphanet 110, MedGen C0752166, MONDO:0015229.

Allele frequency attached by ClinVar (database versions not stated): ExAC 0.00001; gnomAD 0.00001; TOPMed 0.00002.
gnomAD v4.1: 34 of 1,608,478 alleles (0.0021%); highest among the groups gnomAD compares: Admixed American, 0.005%; no homozygotes.

Submissions (4):

PreventionGenetics, part of Exact Sciences
Classification: Uncertain significance for BBS9-related condition. Last evaluated: 2026-06-22. Review status: criteria provided, single submitter. Criteria: ACMG Guidelines, 2015. Collection method: clinical testing. Allele origin: germline.
Comment: The BBS9 c.2623C>T variant is predicted to result in the amino acid substitution p.Pro875Ser. To our knowledge, this variant has not been reported in the literature. This variant is reported in 0.0058% of alleles in individuals of Latino descent in gnomAD. At this time, the clinical significance of this variant is uncertain due to the absence of conclusive functional and genetic evidence.

Ambry Genetics
Classification: Likely benign for Inborn genetic diseases. Last evaluated: 2024-10-24. Review status: criteria provided, single submitter. Criteria: Ambry Variant Classification Scheme 2023. Collection method: clinical testing. Allele origin: germline.

Labcorp Genetics (formerly Invitae), Labcorp
Classification: Uncertain significance for Bardet-Biedl syndrome. Last evaluated: 2022-07-25. Review status: criteria provided, single submitter. Criteria: Invitae Variant Classification Sherloc (09022015). Collection method: clinical testing. Allele origin: germline.
Comment: This sequence change replaces proline, which is neutral and non-polar, with serine, which is neutral and polar, at codon 875 of the BBS9 protein (p.Pro875Ser). This variant is present in population databases (rs755911247, gnomAD 0.006%). This variant has not been reported in the literature in individuals affected with BBS9-related conditions. ClinVar contains an entry for this variant (Variation ID: 844233). Algorithms developed to predict the effect of missense changes on protein structure and function output the following: SIFT: "Deleterious"; PolyPhen-2: "Benign"; Align-GVGD: "Class C0". The serine amino acid residue is found in multiple mammalian species, which suggests that this missense change does not adversely affect protein function. In summary, the available evidence is currently insufficient to determine the role of this variant in disease. Therefore, it has been classified as a Variant of Uncertain Significance.

Fulgent Genetics
Classification: Uncertain significance for Bardet-Biedl syndrome 9. Last evaluated: 2021-12-23. Review status: criteria provided, single submitter. Criteria: ACMG Guidelines, 2015. Collection method: clinical testing. Allele origin: unknown.